The following is an entry in ClinVar:

GRCh38/hg38 15q13.3(chr15:31738809-32217725)x3

Genes: CHRNA7 (cholinergic receptor nicotinic alpha 7 subunit), OTUD7A (OTU deubiquitinase 7A; minus strand), LOC125078053 (Sharpr-MPRA regulatory region 11410; plus strand), LOC129390681 (MPRA-validated peak2289 silencer), LOC130056727 (ATAC-STARR-seq lymphoblastoid silent region 6268; plus strand). Cytogenetic location: 15q13.3.
Variant type: copy number gain.
Change: copy number 3 (three copies instead of two) of chr15:31,738,809-32,217,725 (478.9 kb, GRCh38 coordinates, 1-based), cytogenetic band 15q13.3.
Identifiers: ClinVar variation 161006 (VCV000161006.1).

ClinVar aggregate classification (germline): Benign (1 of 4 stars; one submission).

Submission:

ISCA site 4
Classification: Benign. Last evaluated: 2011-08-12. Review status: criteria provided, single submitter. Criteria: Kaminsky et al. (Genet Med. 2011). Collection method: clinical testing. Allele origin: unknown. Affected: yes. Observed: 1 variant allele.
Comment: Copy number variation identified through the course of routine clinical cytogenomic testing in postnatal populations. Clinical assertions have been curated as described in Kaminsky et al. 2011.